The following is an entry in ClinVar:

ClinVar aggregate classification (germline): Uncertain significance (1 of 4 stars; one submission).

Allele frequency attached by ClinVar (database versions not stated): gnomAD exomes below 0.00001; gnomAD 0.00001.
gnomAD v4.1: 7 of 1,612,528 alleles (0.00043%); highest among the groups gnomAD compares: Admixed American, 0.0017%; no homozygotes.

Submission:

Labcorp Genetics (formerly Invitae), Labcorp
Classification: Uncertain significance. Last evaluated: 2022-10-24. Review status: criteria provided, single submitter. Criteria: Invitae Variant Classification Sherloc (09022015). Collection method: clinical testing. Allele origin: germline.
Comment: In summary, the available evidence is currently insufficient to determine the role of this variant in disease. Therefore, it has been classified as a Variant of Uncertain Significance. Variants that disrupt the consensus splice site are a relatively common cause of aberrant splicing (PMID: 17576681, 9536098). Algorithms developed to predict the effect of sequence changes on RNA splicing suggest that this variant may disrupt the consensus splice site. ClinVar contains an entry for this variant (Variation ID: 1018425). This variant has been observed in individual(s) with achromatopsia (Invitae). This variant is present in population databases (no rsID available, gnomAD 0.0009%). This sequence change falls in intron 1 of the ATF6 gene. It does not directly change the encoded amino acid sequence of the ATF6 protein. It affects a nucleotide within the consensus splice site.

Literature cited by the submitters: PubMed 17576681; PubMed 9536098.

NM_007348.4(ATF6):c.82+5G>A

Gene: ATF6 (activating transcription factor 6; plus strand). Cytogenetic location: 1q23.3.
Variant type: single nucleotide variant.
Coding change: c.82+5G>A on transcript NM_007348.4 (MANE Select); 5 bases into the intron after coding-DNA position 82, G replaced by A.
Molecular consequence: intron variant.
Genome position (GRCh38, 1-based): chr1:161,766,447, G>A. VCF-style: chr1-161766447-G-A. GRCh37 (hg19) VCF-style: chr1-161736237-G-A.
Identifiers: ClinVar variation 1018425 (VCV001018425.5), dbSNP rs797045170, ClinGen allele CA526890941.
Genomic context (GRCh38, chr1:161,766,447, plus strand): 5'-CACCATGGAGTCACCTTTTAGCCCGGGACTCTTTCACAGGCTGGATGAAGATTGGGGTGA[G>A]TGGGATCTGAGAATGTACCAGGGTGGCTCGGGTTCGCGTCTAAAGGTTTCTTCCTCCCTA-3'